The following is an entry in ClinVar:

NM_000821.7(GGCX):c.*1277G>A

Gene: GGCX (gamma-glutamyl carboxylase; minus strand). Cytogenetic location: 2p11.2.
Variant type: single nucleotide variant.
Coding change: c.*1277G>A on transcript NM_000821.7 (MANE Select); 1277 bases downstream of the stop codon, G replaced by A.
Molecular consequence: 3 prime UTR variant.
Genome position (GRCh38, 1-based): chr2:85,548,657, C>T on the plus strand (G>A on the coding strand, the complement: GGCX is on the minus strand). VCF-style: chr2-85548657-C-T. GRCh37 (hg19) VCF-style: chr2-85775780-C-T.
Other names: c.*1277G>A (NM_001142269.4).
Identifiers: ClinVar variation 897976 (VCV000897976.4), dbSNP rs60864851, ClinGen allele CA51731208.
Genomic context (GRCh38, chr2:85,548,657, plus strand): 5'-GCAAAGAGATGCAATCATTTACAGAAGTTACTGAGACTGCCAATTTACTACCGGTCTCTG[C>T]TACAAGTCCATGAGCTCCCAAAGCAGGGATCCTTTTTCATAACCCTGCATTCTCGCTTCC-3'

ClinVar aggregate classification (germline): Likely benign (1 of 4 stars; one submission).

Conditions:
Vitamin K-dependent clotting factors, combined deficiency of, type 1. Also called: FACTORS II, VII, IX, AND X, COMBINED DEFICIENCY OF; FAMILIAL MULTIPLE COAGULATION FACTOR DEFICIENCY III; FMFD III; GLUTAMIC ACID, DEFICIENT GAMMA-CARBOXYLATION OF; MULTIPLE COAGULATION FACTOR DEFICIENCY III; VITAMIN K-DEPENDENT COAGULATION DEFECT. Identifiers: Orphanet 98434, MedGen C1848534, MONDO:0010187, OMIM 277450.

Allele frequency attached by ClinVar (database versions not stated): 1000 Genomes Project 0.00300; gnomAD 0.00357 and 0.00397; 1000 Genomes Project 30x 0.00375; TOPMed 0.00397.

Submission:

Illumina Laboratory Services, Illumina
Classification: Likely benign for Vitamin K-dependent clotting factors, combined deficiency of, type 1. Last evaluated: 2018-01-13. Review status: criteria provided, single submitter. Criteria: ICSL Variant Classification Criteria 13 December 2019. Collection method: clinical testing. Allele origin: germline.
Comment: This variant was observed in the ICSL laboratory as part of a predisposition screen in an ostensibly healthy population. It had not been previously curated by ICSL or reported in the Human Gene Mutation Database (HGMD: prior to June 1st, 2018), and was therefore a candidate for classification through an automated scoring system. Utilizing variant allele frequency, disease prevalence and penetrance estimates, and inheritance mode, an automated score was calculated to assess if this variant is too frequent to cause the disease. Based on the score and internal cut-off values, a variant classified as likely benign is not then subjected to further curation. The score for this variant resulted in a classification of likely benign for this disease.